The following is an entry in ClinVar:

ClinVar aggregate classification (germline): Uncertain significance (1 of 4 stars; one submission).

Conditions:
Primary ciliary dyskinesia. Also called: Ciliary dyskinesia. Identifiers: Orphanet 244, MedGen C0008780, MONDO:0016575, HP:0012265.

Allele frequency attached by ClinVar (database versions not stated): gnomAD exomes below 0.00001.
gnomAD v4.1: 1 of 1,608,952 alleles (0.000062%); highest among the groups gnomAD compares: East Asian, 0.0022%; no homozygotes.

Submission:

Labcorp Genetics (formerly Invitae), Labcorp
Classification: Uncertain significance for Primary ciliary dyskinesia. Last evaluated: 2023-12-11. Review status: criteria provided, single submitter. Criteria: Invitae Variant Classification Sherloc (09022015). Collection method: clinical testing. Allele origin: germline.
Comment: This sequence change replaces arginine, which is basic and polar, with glycine, which is neutral and non-polar, at codon 3058 of the DNAH11 protein (p.Arg3058Gly). This variant is not present in population databases (gnomAD no frequency). This variant has not been reported in the literature in individuals affected with DNAH11-related conditions. ClinVar contains an entry for this variant (Variation ID: 2113903). Advanced modeling of protein sequence and biophysical properties (such as structural, functional, and spatial information, amino acid conservation, physicochemical variation, residue mobility, and thermodynamic stability) performed at Invitae indicates that this missense variant is not expected to disrupt DNAH11 protein function with a negative predictive value of 95%. In summary, the available evidence is currently insufficient to determine the role of this variant in disease. Therefore, it has been classified as a Variant of Uncertain Significance.

NM_001277115.2(DNAH11):c.9172A>G (p.Arg3058Gly)

Gene: DNAH11 (dynein axonemal heavy chain 11; plus strand). Cytogenetic location: 7p15.3.
Variant type: single nucleotide variant.
Coding change: c.9172A>G on transcript NM_001277115.2 (MANE Select); coding-DNA position 9172, A replaced by G.
Protein change: p.Arg3058Gly; replaces arginine 3058 with glycine.
Molecular consequence: missense variant.
Genome position (GRCh38, 1-based): chr7:21,773,835, A>G. VCF-style: chr7-21773835-A-G. GRCh37 (hg19) VCF-style: chr7-21813453-A-G.
Other names: c.9193A>G, p.Arg3065Gly (NM_003777.3); short protein forms R3065G, R3058G.
Identifiers: ClinVar variation 2113903 (VCV002113903.4), dbSNP rs2535217745, ClinGen allele CA366936482.
Genomic context (GRCh38, chr7:21,773,835, plus strand): 5'-AAAGACTCTATTAGCCTTTTCATGGCACATGTTCACACCACTGTAAATGAAATGAGTACC[A>G]GATATTACCAGAATGAGAGAAGACACAACTATACCACCCCAAAGAGTTTTCTAGAACAAA-3'
Protein context (NP_001264044.1, residues 3048-3068): VHTTVNEMST[Arg3058Gly]YYQNERRHNY